The following is an entry in ClinVar:

ClinVar aggregate classification (germline): Uncertain significance (1 of 4 stars; one submission).

Conditions:
Norman-Roberts syndrome (LIS2). Also called: Lissencephaly 2 (Norman-Roberts type). Identifiers: Orphanet 89844, MedGen C0796089, MONDO:0009760, OMIM 257320.
Familial temporal lobe epilepsy 7. Identifiers: Orphanet 101046, MedGen C4225327, MONDO:0014639, OMIM 616436.

Submission:

Labcorp Genetics (formerly Invitae), Labcorp
Classification: Uncertain significance for Familial temporal lobe epilepsy 7; Norman-Roberts syndrome. Last evaluated: 2025-10-01. Review status: criteria provided, single submitter. Criteria: Invitae Variant Classification Sherloc (09022015). Collection method: clinical testing. Allele origin: germline.
Comment: This variant, c.9401_9403del, results in the deletion of 1 amino acid(s) of the RELN protein (p.Gly3134del), but otherwise preserves the integrity of the reading frame. This variant is present in population databases (no rsID available, gnomAD 0.002%). This variant has not been reported in the literature in individuals affected with RELN-related conditions. Experimental studies and prediction algorithms are not available or were not evaluated, and the functional significance of this variant is currently unknown. In summary, the available evidence is currently insufficient to determine the role of this variant in disease. Therefore, it has been classified as a Variant of Uncertain Significance.

NM_005045.4(RELN):c.9398GTG[1] (p.Gly3134del)

Genes: RELN (reelin; minus strand), SLC26A5-AS1 (SLC26A5 antisense RNA 1; plus strand). Cytogenetic location: 7q22.1.
Variant type: Microsatellite.
Coding change: c.9398GTG[1] on transcript NM_005045.4 (MANE Select); one copy of the 3-base unit GTG starting at c.9398; the reference has two copies in a row; one copy, 3 bases deleted.
Protein change: p.Gly3134del; deletes glycine 3134.
Molecular consequence: inframe deletion.
Genome position (GRCh38, 1-based): chr7:103,491,993-103,491,995, CAC deleted on the plus strand (GTG on the coding strand, the reverse complement: RELN is on the minus strand); deleting any 3 consecutive bases within chr7:103,491,993-103,491,998 gives the same sequence; the position shown is the placement nearest the transcript's 3' end. VCF-style (leftmost placement, unchanged base first): chr7-103491992-TCAC-T. GRCh37 (hg19) VCF-style: chr7-103132439-TCAC-T.
Other names: c.9398GTG[1], p.Gly3134del (NM_173054.3); short protein forms G3134del.
Identifiers: ClinVar variation 2923041 (VCV002923041.3), dbSNP rs1456760102, ClinGen allele CA576953547.